The following is an entry in ClinVar:

ClinVar aggregate classification (germline): Uncertain significance. Review status: criteria provided, multiple submitters, no conflicts (2 of 4 stars). 2 submissions from 2 submitters: Uncertain significance (2). Last evaluated 2024-07-25.

Conditions:
Familial cold autoinflammatory syndrome 3 (FCAS3). Also called: FAMILIAL ATYPICAL COLD URTICARIA; ANTIBODY DEFICIENCY AND IMMUNE DYSREGULATION, PLCG2-ASSOCIATED. Identifiers: Orphanet 300359, MedGen C3280914, MONDO:0013766, OMIM 614468.
Autoinflammation-PLCG2-associated antibody deficiency-immune dysregulation. Also called: Autoinflammation, antibody deficiency, and immune dysregulation, plcg2-associated; Autoinflammation, antibody deficiency, and immune dysregulation syndrome; AUTOINFLAMMATION, ANTIBODY DEFICIENCY, AND IMMUNE DYSREGULATION. Identifiers: Orphanet 324530, MedGen C3553961, MONDO:0013944, OMIM 614878.

Allele frequency attached by ClinVar (database versions not stated): gnomAD exomes 0.00001; TOPMed 0.00001.
gnomAD v4.1: 5 of 1,613,964 alleles (0.00031%); highest among the groups gnomAD compares: Admixed American, 0.0017%; no homozygotes.

Submissions (2):

Labcorp Genetics (formerly Invitae), Labcorp
Classification: Uncertain significance for Familial cold autoinflammatory syndrome 3. Last evaluated: 2024-07-25. Review status: criteria provided, single submitter. Criteria: Invitae Variant Classification Sherloc (09022015). Collection method: clinical testing. Allele origin: germline.
Comment: This sequence change replaces arginine, which is basic and polar, with glutamine, which is neutral and polar, at codon 582 of the PLCG2 protein (p.Arg582Gln). This variant is present in population databases (rs200325678, gnomAD 0.003%). This variant has not been reported in the literature in individuals affected with PLCG2-related conditions. ClinVar contains an entry for this variant (Variation ID: 1444608). An algorithm developed to predict the effect of missense changes on protein structure and function (PolyPhen-2) suggests that this variant is likely to be disruptive. In summary, the available evidence is currently insufficient to determine the role of this variant in disease. Therefore, it has been classified as a Variant of Uncertain Significance.

Fulgent Genetics
Classification: Uncertain significance for Familial cold autoinflammatory syndrome 3; Autoinflammation-PLCG2-associated antibody deficiency-immune dysregulation. Last evaluated: 2022-01-19. Review status: criteria provided, single submitter. Criteria: ACMG Guidelines, 2015. Collection method: clinical testing. Allele origin: unknown.

NM_002661.5(PLCG2):c.1745G>A (p.Arg582Gln)

Gene: PLCG2 (phospholipase C gamma 2; plus strand). Cytogenetic location: 16q23.3.
Variant type: single nucleotide variant.
Coding change: c.1745G>A on transcript NM_002661.5 (MANE Select); coding-DNA position 1745, G replaced by A.
Protein change: p.Arg582Gln; replaces arginine 582 with glutamine.
Molecular consequence: missense variant.
Genome position (GRCh38, 1-based): chr16:81,910,531, G>A. VCF-style: chr16-81910531-G-A. GRCh37 (hg19) VCF-style: chr16-81944136-G-A.
Other names: short protein forms R582Q.
Identifiers: ClinVar variation 1444608 (VCV001444608.9), dbSNP rs200325678, ClinGen allele CA285153697.